The following is an entry in ClinVar:

ClinVar aggregate classification (germline): Pathogenic (1 of 4 stars; one submission).

Conditions:
Hereditary nonpolyposis colorectal neoplasms. Identifiers: MedGen C0009405, MeSH D003123.

Submission:

Labcorp Genetics (formerly Invitae), Labcorp
Classification: Pathogenic for Hereditary nonpolyposis colorectal neoplasms. Last evaluated: 2023-12-07. Review status: criteria provided, single submitter. Criteria: Invitae Variant Classification Sherloc (09022015). Collection method: clinical testing. Allele origin: germline.
Comment: This sequence change creates a premature translational stop signal (p.Val1132Leufs*13) in the MSH6 gene. It is expected to result in an absent or disrupted protein product. Loss-of-function variants in MSH6 are known to be pathogenic (PMID: 18269114, 24362816). This variant is not present in population databases (gnomAD no frequency). This variant has not been reported in the literature in individuals affected with MSH6-related conditions. ClinVar contains an entry for this variant (Variation ID: 1425291). For these reasons, this variant has been classified as Pathogenic.

Literature cited by the submitters: PubMed 18269114; PubMed 24362816.

NM_000179.3(MSH6):c.3393del (p.Val1132fs)

Gene: MSH6 (mutS homolog 6; plus strand). Cytogenetic location: 2p16.3.
Variant type: Deletion.
Coding change: c.3393del on transcript NM_000179.3 (MANE Select); coding-DNA position 3393, one base deleted (T; older notation c.3393delT).
Protein change: p.Val1132fs; shifts the reading frame from valine 1132.
Molecular consequence: frameshift variant.
Genome position (GRCh38, 1-based): chr2:47,803,640, T deleted; the last of 2 consecutive T bases (chr2:47,803,639-47,803,640); deleting either gives the same sequence. VCF-style (leftmost placement, unchanged base first): chr2-47803638-CT-C. GRCh37 (hg19) VCF-style: chr2-48030777-CT-C.
Other names: c.3003del, p.Val1002fs (NM_001281492.2); c.2487del, p.Val830fs (NM_001281493.2, NM_001281494.2); short protein forms V1132fs, V1002fs, V830fs.
Identifiers: ClinVar variation 1425291 (VCV001425291.6), dbSNP rs2104484216, ClinGen allele CA2573134728.